The following is an entry in ClinVar:

ClinVar aggregate classification (germline): Uncertain significance (1 of 4 stars; one submission).

Conditions:
Saldino-Mainzer syndrome (SRTD9). Also called: CONORENAL SYNDROME; Renal dysplasia, retinal pigmentary dystrophy, cerebellar ataxia and skeletal dysplasia; SHORT-RIB THORACIC DYSPLASIA 9 WITHOUT POLYDACTYLY; short-rib thoracic dysplasia 9 with or without polydactyly. Identifiers: Orphanet 140969, MedGen C1849437, MONDO:0009964, OMIM 266920.

Allele frequency attached by ClinVar (database versions not stated): gnomAD exomes below 0.00001; TOPMed 0.00001.

Submission:

Labcorp Genetics (formerly Invitae), Labcorp
Classification: Uncertain significance for Saldino-Mainzer syndrome. Last evaluated: 2021-09-21. Review status: criteria provided, single submitter. Criteria: Invitae Variant Classification Sherloc (09022015). Collection method: clinical testing. Allele origin: germline.
Comment: This sequence change replaces aspartic acid with tyrosine at codon 1179 of the IFT140 protein (p.Asp1179Tyr). The aspartic acid residue is moderately conserved and there is a large physicochemical difference between aspartic acid and tyrosine. This variant is not present in population databases (ExAC no frequency). This variant has not been reported in the literature in individuals affected with IFT140-related conditions. Algorithms developed to predict the effect of missense changes on protein structure and function are either unavailable or do not agree on the potential impact of this missense change (SIFT: "Deleterious"; PolyPhen-2: "Benign"; Align-GVGD: "Class C0"). In summary, the available evidence is currently insufficient to determine the role of this variant in disease. Therefore, it has been classified as a Variant of Uncertain Significance.

NM_014714.4(IFT140):c.3535G>T (p.Asp1179Tyr)

Gene: IFT140 (intraflagellar transport 140; minus strand). Cytogenetic location: 16p13.3.
Variant type: single nucleotide variant.
Coding change: c.3535G>T on transcript NM_014714.4 (MANE Select); coding-DNA position 3535, G replaced by T.
Protein change: p.Asp1179Tyr; replaces aspartic acid 1179 with tyrosine.
Molecular consequence: missense variant.
Genome position (GRCh38, 1-based): chr16:1,520,727, C>A on the plus strand (G>T on the coding strand, the complement: IFT140 is on the minus strand). VCF-style: chr16-1520727-C-A. GRCh37 (hg19) VCF-style: chr16-1570728-C-A.
Other names: short protein forms D1179Y.
Identifiers: ClinVar variation 1380748 (VCV001380748.3), dbSNP rs1332512487, ClinGen allele CA394224943.